The following is an entry in ClinVar:

NM_001953.5(TYMP):c.1266G>A (p.Glu422=)

Genes: SCO2 (synthesis of cytochrome C oxidase 2; minus strand), TYMP (thymidine phosphorylase; minus strand), LOC130067862 (ATAC-STARR-seq lymphoblastoid silent region 13986; plus strand). Cytogenetic location: 22q13.33.
Variant type: single nucleotide variant.
Coding change: c.1266G>A on transcript NM_001953.5 (MANE Select); coding-DNA position 1266, G replaced by A.
Protein change: p.Glu422=; no amino-acid change (glutamic acid 422 retained).
Molecular consequence: synonymous variant. On other transcripts: 5 prime UTR variant (1), intron variant (1).
Genome position (GRCh38, 1-based): chr22:50,526,035, C>T on the plus strand (G>A on the coding strand, the complement: TYMP is on the minus strand). VCF-style: chr22-50526035-C-T. GRCh37 (hg19) VCF-style: chr22-50964464-C-T.
Other names: c.1266G>A, p.Glu422= (NM_001113755.3, NM_001113756.3, NM_001257988.1); c.1281G>A, p.Glu427= (NM_001257989.1); c.-48G>A (NM_001169110.1); c.-14+211G>A (NM_001169109.2).
Identifiers: ClinVar variation 669173 (VCV000669173.11), dbSNP rs932099850, ClinGen allele CA325560327.

ClinVar aggregate classification (germline): Likely benign. Review status: criteria provided, multiple submitters, no conflicts (2 of 4 stars). 3 submissions from 3 submitters: Likely benign (2). 1 of the submissions does not count toward it. Last evaluated 2023-11-17.

Conditions:
Mitochondrial neurogastrointestinal encephalomyopathy. Also called: MNGIE syndrome; Thymidine phosphorylase deficiency; Mitochondrial neurogastrointestinal encephalopathy syndrome. Identifiers: Orphanet 298, MedGen C0872218, MONDO:0017575.

Allele frequency attached by ClinVar (database versions not stated): gnomAD 0.00002; gnomAD exomes 0.00003 and 0.00006; TOPMed 0.00005.

Submissions (3):

Labcorp Genetics (formerly Invitae), Labcorp
Classification: Likely benign. Last evaluated: 2023-11-17. Review status: criteria provided, single submitter. Criteria: Invitae Variant Classification Sherloc (09022015). Collection method: clinical testing. Allele origin: germline.

GeneDx
Classification: Likely benign. Last evaluated: 2018-06-18. Review status: criteria provided, single submitter. Criteria: GeneDx Variant Classification (06012015). Collection method: clinical testing. Allele origin: germline. Affected: yes.
Comment: This variant is considered likely benign or benign based on one or more of the following criteria: it is a conservative change, it occurs at a poorly conserved position in the protein, it is predicted to be benign by multiple in silico algorithms, and/or has population frequency not consistent with disease.

Natera, Inc.
Classification: Uncertain significance for Mitochondrial neurogastrointestinal encephalomyopathy. Last evaluated: 2020-01-24. Review status: no assertion criteria provided. Collection method: clinical testing. Allele origin: germline. Not counted in ClinVar's aggregate classification.